The following is an entry in ClinVar:

ClinVar aggregate classification (germline): Uncertain significance (1 of 4 stars; one submission).

Submission:

CeGaT Center for Human Genetics Tuebingen
Classification: Uncertain significance. Last evaluated: 2024-06-01. Review status: criteria provided, single submitter. Criteria: CeGaT Center For Human Genetics Tuebingen Variant Classification Criteria Version 2. Collection method: clinical testing. Allele origin: germline. Affected: yes. Observed: 1 variant allele.
Comment: DSP: PM2, BP4

NM_004415.4(DSP):c.274-6T>C

Gene: DSP (desmoplakin; plus strand). Cytogenetic location: 6p24.3.
Variant type: single nucleotide variant.
Coding change: c.274-6T>C on transcript NM_004415.4 (MANE Select); 6 bases into the intron before coding-DNA position 274, T replaced by C.
Molecular consequence: intron variant.
Genome position (GRCh38, 1-based): chr6:7,558,110, T>C. VCF-style: chr6-7558110-T-C. GRCh37 (hg19) VCF-style: chr6-7558343-T-C.
Other names: c.274-6T>C (NM_001319034.2, NM_001008844.3, NM_001406591.1).
Identifiers: ClinVar variation 3251115 (VCV003251115.18), dbSNP rs2533848796.